The following is an entry in ClinVar:

NM_003470.3(USP7):c.705G>T (p.Thr235=)

Gene: USP7 (ubiquitin specific peptidase 7; minus strand). Cytogenetic location: 16p13.2.
Variant type: single nucleotide variant.
Coding change: c.705G>T on transcript NM_003470.3 (MANE Select); coding-DNA position 705, G replaced by T.
Protein change: p.Thr235=; no amino-acid change (threonine 235 retained).
Molecular consequence: synonymous variant. On other transcripts: non-coding transcript variant (1).
Genome position (GRCh38, 1-based): chr16:8,919,046, C>A on the plus strand (G>T on the coding strand, the complement: USP7 is on the minus strand). VCF-style: chr16-8919046-C-A. GRCh37 (hg19) VCF-style: chr16-9012903-C-A.
Other names: c.657G>T, p.Thr219= (NM_001286457.2); c.408G>T, p.Thr136= (NM_001286458.2); c.531G>T, p.Thr177= (NM_001321858.2).
Identifiers: ClinVar variation 1993822 (VCV001993822.5), dbSNP rs747604903, ClinGen allele CA7895636.

ClinVar aggregate classification (germline): Likely benign. Review status: criteria provided, multiple submitters, no conflicts (2 of 4 stars). 2 submissions from 2 submitters: Likely benign (2). Last evaluated 2026-09-01.

Allele frequency attached by ClinVar (database versions not stated): ExAC 0.00001.
gnomAD v4.1: 2 of 1,613,626 alleles (0.00012%); highest among the groups gnomAD compares: Admixed American, 0.0017%; no homozygotes.

Submissions (2):

CeGaT Center for Human Genetics Tuebingen
Classification: Likely benign. Last evaluated: 2026-09-01. Review status: criteria provided, single submitter. Criteria: CeGaT Center For Human Genetics Tuebingen Variant Classification Criteria Version 2. Collection method: clinical testing. Allele origin: germline. Affected: yes. Observed: 1 variant allele.
Comment: USP7: BP4, BP7

Labcorp Genetics (formerly Invitae), Labcorp
Classification: Likely benign. Last evaluated: 2026-01-08. Review status: criteria provided, single submitter. Criteria: Invitae Variant Classification Sherloc (09022015). Collection method: clinical testing. Allele origin: germline.